The following is an entry in ClinVar:

NM_000092.5(COL4A4):c.123G>C (p.Lys41Asn)

Gene: COL4A4 (collagen type IV alpha 4 chain; minus strand). Cytogenetic location: 2q36.3.
Variant type: single nucleotide variant.
Coding change: c.123G>C on transcript NM_000092.5 (MANE Select); coding-DNA position 123, G replaced by C.
Protein change: p.Lys41Asn; replaces lysine 41 with asparagine.
Molecular consequence: missense variant.
Genome position (GRCh38, 1-based): chr2:227,140,230, C>G on the plus strand (G>C on the coding strand, the complement: COL4A4 is on the minus strand). VCF-style: chr2-227140230-C-G. GRCh37 (hg19) VCF-style: chr2-228004946-C-G.
Other names: short protein forms K41N.
Identifiers: ClinVar variation 1392547 (VCV001392547.8), dbSNP rs1162611784, ClinGen allele CA350866582.
Genomic context (GRCh38, chr2:227,140,230, plus strand): 5'-CTTTTCAGGAACACAGTGGCAAACAGAGCAATCTCTTCCTCCACAAGGACCAATGTATTT[C>G]TTTCCACTCTGGAAAGTGAAGCATCTTATTTAGTATACCAGTACTCATCGTTTAACTACG-3'
Protein context (NP_000083.3, residues 31-51): FSVQYVYGSG[Lys41Asn]KYIGPCGGRD

ClinVar aggregate classification (germline): Uncertain significance (1 of 4 stars; one submission).

Allele frequency attached by ClinVar (database versions not stated): gnomAD exomes below 0.00001 and 0.00001.
gnomAD v4.1: 3 of 1,614,078 alleles (0.00019%); highest among the groups gnomAD compares: Admixed American, 0.005%; no homozygotes.

Submission:

Labcorp Genetics (formerly Invitae), Labcorp
Classification: Uncertain significance. Last evaluated: 2025-09-15. Review status: criteria provided, single submitter. Criteria: Invitae Variant Classification Sherloc (09022015). Collection method: clinical testing. Allele origin: germline.
Comment: This sequence change replaces lysine, which is basic and polar, with asparagine, which is neutral and polar, at codon 41 of the COL4A4 protein (p.Lys41Asn). This variant is present in population databases (no rsID available, gnomAD 0.009%). This variant has not been reported in the literature in individuals affected with COL4A4-related conditions. ClinVar contains an entry for this variant (Variation ID: 1392547). Invitae Evidence Modeling of protein sequence and biophysical properties (such as structural, functional, and spatial information, amino acid conservation, physicochemical variation, residue mobility, and thermodynamic stability) indicates that this missense variant is not expected to disrupt COL4A4 protein function with a negative predictive value of 95%. In summary, the available evidence is currently insufficient to determine the role of this variant in disease. Therefore, it has been classified as a Variant of Uncertain Significance.